The following is an entry in ClinVar:

ClinVar aggregate classification (germline): Likely pathogenic (0 of 4 stars; one submission).

Conditions:
ELANE-related disorder. Also called: ELANE-related condition.

Submission:

PreventionGenetics, part of Exact Sciences
Classification: Likely pathogenic for ELANE-related condition. Last evaluated: 2024-09-18. Review status: no assertion criteria provided. Collection method: clinical testing. Allele origin: germline.
Comment: The ELANE c.588_589insTTTTT variant is predicted to result in a frameshift and premature protein termination (p.Val197Phefs*17). To our knowledge, this variant has not been reported in the literature or in a large population database, indicating this variant is rare. Frameshift variants in ELANE are expected to be pathogenic. This variant is interpreted as likely pathogenic.

NM_001972.4(ELANE):c.588_589insTTTTT (p.Val197fs)

Gene: ELANE (elastase, neutrophil expressed; plus strand). Cytogenetic location: 19p13.3.
Variant type: Insertion.
Coding change: c.588_589insTTTTT on transcript NM_001972.4 (MANE Select); coding-DNA positions 588 to 589, TTTTT inserted.
Protein change: p.Val197fs; shifts the reading frame from valine 197.
Molecular consequence: frameshift variant.
Genome position: GRCh38 VCF-style: chr19-855785-C-CTTTTT. GRCh37 (hg19) VCF-style: chr19-855785-C-CTTTTT.
Other names: short protein forms V197fs.
Identifiers: ClinVar variation 3346756 (VCV003346756.1).
Genomic context (GRCh38, chr19:855,785, plus strand): 5'-GGTGACGTCCCTCTGCCGTCGCAGCAACGTCTGCACTCTCGTGAGGGGCCGGCAGGCCGG[C>CTTTTT]GTCTGTTTCGTACGTGCCCTGGGTGTCCCTCTGCTCCCCACCCGCTCCCAGCCCGGACTG-3'